The following is an entry in ClinVar:

ClinVar aggregate classification (germline): Uncertain significance. Review status: criteria provided, multiple submitters, no conflicts (2 of 4 stars). 3 submissions from 3 submitters: Uncertain significance (3). Last evaluated 2026-05-29.

Allele frequency attached by ClinVar (database versions not stated): gnomAD exomes below 0.00001 and 0.00001; ExAC 0.00001; gnomAD 0.00001; TOPMed 0.00001.
gnomAD v4.1: 15 of 1,613,860 alleles (0.00093%); highest among the groups gnomAD compares: African/African-American, 0.0067%; no homozygotes.

Submissions (3):

GeneDx
Classification: Uncertain significance. Last evaluated: 2026-05-29. Review status: criteria provided, single submitter. Criteria: GeneDx Variant Classification Process June 2021. Collection method: clinical testing. Allele origin: germline.
Comment: Not observed at significant frequency in large population cohorts (gnomAD); In silico analysis supports that this missense variant has a deleterious effect on protein structure/function; Has not been previously published as pathogenic or benign to our knowledge

Labcorp Genetics (formerly Invitae), Labcorp
Classification: Uncertain significance. Last evaluated: 2024-01-08. Review status: criteria provided, single submitter. Criteria: Invitae Variant Classification Sherloc (09022015). Collection method: clinical testing. Allele origin: germline.
Comment: This sequence change replaces asparagine, which is neutral and polar, with serine, which is neutral and polar, at codon 1235 of the ADGRV1 protein (p.Asn1235Ser). This variant is present in population databases (rs746622083, gnomAD 0.003%). This variant has not been reported in the literature in individuals affected with ADGRV1-related conditions. ClinVar contains an entry for this variant (Variation ID: 505432). Advanced modeling of protein sequence and biophysical properties (such as structural, functional, and spatial information, amino acid conservation, physicochemical variation, residue mobility, and thermodynamic stability) performed at Invitae indicates that this missense variant is not expected to disrupt ADGRV1 protein function with a negative predictive value of 95%. In summary, the available evidence is currently insufficient to determine the role of this variant in disease. Therefore, it has been classified as a Variant of Uncertain Significance.

Laboratory for Molecular Medicine, Mass General Brigham Personalized Medicine
Classification: Uncertain significance. Last evaluated: 2016-11-17. Review status: criteria provided, single submitter. Criteria: LMM Criteria. Collection method: clinical testing. Allele origin: germline. Observed: 1 variant allele.
Comment: The p.Asn1235Ser variant in GPR98 has not been previously reported in individual s with hearing loss or Usher syndrome, but has been identified in 1/11278 of Lat ino chromosomes by the Exome Aggregation Consortium (ExAC; dbSNP rs746622083). However, this frequency is not high enough to rul e out a pathogenic role. Computational prediction tools and conservation analysi s do not provide strong support for or against an impact to the protein. In summ ary, the clinical significance of the p.Asn1235Ser is uncertain.

NM_032119.4(ADGRV1):c.3704A>G (p.Asn1235Ser)

Gene: ADGRV1 (adhesion G protein-coupled receptor V1; plus strand). Cytogenetic location: 5q14.3.
Variant type: single nucleotide variant.
Coding change: c.3704A>G on transcript NM_032119.4 (MANE Select); coding-DNA position 3704, A replaced by G.
Protein change: p.Asn1235Ser; replaces asparagine 1235 with serine.
Molecular consequence: missense variant. On other transcripts: non-coding transcript variant (1).
Genome position (GRCh38, 1-based): chr5:90,653,278, A>G. VCF-style: chr5-90653278-A-G. GRCh37 (hg19) VCF-style: chr5-89949095-A-G.
Other names: short protein forms N1235S.
Identifiers: ClinVar variation 505432 (VCV000505432.15), dbSNP rs746622083, ClinGen allele CA3339230.